The following is an entry in ClinVar:

NM_004380.3(CREBBP):c.1283C>T (p.Pro428Leu)

Gene: CREBBP (CREB binding lysine acetyltransferase; minus strand). Cytogenetic location: 16p13.3.
Variant type: single nucleotide variant.
Coding change: c.1283C>T on transcript NM_004380.3 (MANE Select); coding-DNA position 1283, C replaced by T.
Protein change: p.Pro428Leu; replaces proline 428 with leucine.
Molecular consequence: missense variant. On other transcripts: intron variant (1).
Genome position (GRCh38, 1-based): chr16:3,792,028, G>A on the plus strand (C>T on the coding strand, the complement: CREBBP is on the minus strand). VCF-style: chr16-3792028-G-A. GRCh37 (hg19) VCF-style: chr16-3842029-G-A.
Other names: c.1216+1358C>T (NM_001079846.1); short protein forms P428L.
Identifiers: ClinVar variation 4995633 (VCV004995633.1).

ClinVar aggregate classification (germline): Uncertain significance (1 of 4 stars; one submission).

Conditions:
CREBBP-related disorder. Also called: CREBBP-related disorders; CREBBP-related condition.

Submission:

PreventionGenetics, part of Exact Sciences
Classification: Uncertain significance for CREBBP-related condition. Last evaluated: 2026-06-15. Review status: criteria provided, single submitter. Criteria: ACMG Guidelines, 2015. Collection method: clinical testing. Allele origin: germline.
Comment: The CREBBP c.1283C>T variant is predicted to result in the amino acid substitution p.Pro428Leu. To our knowledge, this variant has not been reported in the literature or in a large population database (gnomAD), indicating this variant is rare. At this time, the clinical significance of this variant is uncertain due to the absence of conclusive functional and genetic evidence.